The following is an entry in ClinVar:

NM_004667.6(HERC2):c.10651G>T (p.Asp3551Tyr)

Gene: HERC2 (HECT and RLD domain containing E3 ubiquitin protein ligase 2; minus strand). Cytogenetic location: 15q13.1.
Variant type: single nucleotide variant.
Coding change: c.10651G>T on transcript NM_004667.6 (MANE Select); coding-DNA position 10651, G replaced by T.
Protein change: p.Asp3551Tyr; replaces aspartic acid 3551 with tyrosine.
Molecular consequence: missense variant.
Genome position (GRCh38, 1-based): chr15:28,163,189, C>A on the plus strand (G>T on the coding strand, the complement: HERC2 is on the minus strand). VCF-style: chr15-28163189-C-A. GRCh37 (hg19) VCF-style: chr15-28408335-C-A.
Other names: short protein forms D3551Y.
Identifiers: ClinVar variation 1181924 (VCV001181924.2), dbSNP rs2142443912, ClinGen allele CA391374746.

ClinVar aggregate classification (germline): Uncertain significance (1 of 4 stars; one submission).

Submission:

GeneDx
Classification: Uncertain significance. Last evaluated: 2019-09-20. Review status: criteria provided, single submitter. Criteria: GeneDx Variant Classification Process June 2021. Collection method: clinical testing. Allele origin: germline. Affected: yes.
Comment: Not observed in large population cohorts (Lek et al., 2016); In silico analysis, which includes protein predictors and evolutionary conservation, supports a deleterious effect; Has not been previously published as pathogenic or benign to our knowledge